The following is an entry in ClinVar:

NC_000013.10:g.(?_32971029)_(32972913_?)del

Gene: BRCA2 (BRCA2 DNA repair associated; plus strand). Cytogenetic location: 13q13.1.
Variant type: Deletion.
Identifiers: ClinVar variation 1076214 (VCV001076214.2).

ClinVar aggregate classification (germline): Pathogenic (1 of 4 stars; one submission).

Conditions:
Hereditary breast ovarian cancer syndrome. Also called: Hereditary breast and ovarian cancer; Breast and ovarian cancer; BRCA1- and BRCA2-Associated Hereditary Breast and Ovarian Cancer; Hereditary breast and/or ovarian cancer syndrome; Hereditary breast and ovarian cancer syndrome; Hereditary breast and ovarian cancer syndrome (HBOC). Identifiers: Orphanet 145, MedGen C0677776, MeSH D061325, MONDO:0003582. Disease mechanism: loss of function.

Submission:

Labcorp Genetics (formerly Invitae), Labcorp
Classification: Pathogenic for Hereditary breast ovarian cancer syndrome. Last evaluated: 2022-03-05. Review status: criteria provided, single submitter. Criteria: Invitae Variant Classification Sherloc (09022015). Collection method: clinical testing. Allele origin: germline.
Comment: This variant is a gross deletion of the genomic region encompassing exon(s) 26-27 of the BRCA2 gene, which includes the termination codon. This deletion extends beyond the assayed region for this gene and therefore may encompass additional genes. While this deletion is not anticipated to lead to nonsense mediated decay, it is expected to alter mRNA translation or result in a truncated protein product. This variant has not been reported in the literature in individuals affected with BRCA2-related conditions. This variant disrupts a region of the BRCA2 protein in which other variant(s) (p.Tyr3225Ilefs*30, p.Tyr3308*) have been determined to be pathogenic (PMID: 12065746, 17026620, 18593900, 18607349, 22711857). This suggests that this is a clinically significant region of the protein, and that variants that disrupt it are likely to be disease-causing. For these reasons, this variant has been classified as Pathogenic.

Literature cited by the submitters: PubMed 12065746; PubMed 17026620; PubMed 18593900; PubMed 18607349; PubMed 22711857.